The following is an entry in ClinVar:

NM_001329943.3(KIAA0586):c.2511C>A (p.Ser837Arg)

Gene: KIAA0586 (KIAA0586; plus strand). Cytogenetic location: 14q23.1.
Variant type: single nucleotide variant.
Coding change: c.2511C>A on transcript NM_001329943.3 (MANE Select); coding-DNA position 2511, C replaced by A.
Protein change: p.Ser837Arg; replaces serine 837 with arginine.
Molecular consequence: missense variant.
Genome position (GRCh38, 1-based): chr14:58,470,681, C>A. VCF-style: chr14-58470681-C-A. GRCh37 (hg19) VCF-style: chr14-58937399-C-A.
Other names: c.2670C>A, p.Ser890Arg (NM_001244189.2); c.2466C>A, p.Ser822Arg (NM_001244190.2); c.2256C>A, p.Ser752Arg (NM_001244191.2, NM_001329945.2, NM_001364700.1 and 1 more transcripts); c.2379C>A, p.Ser793Arg (NM_001244192.2); c.2091C>A, p.Ser697Arg (NM_001244193.2); c.2511C>A, p.Ser837Arg (NM_001329944.2, NM_001329946.2, NM_001329947.2); c.2283C>A, p.Ser761Arg (NM_014749.5); short protein forms S761R, S837R, S890R, S697R, S793R, S822R, S752R.
Identifiers: ClinVar variation 1379961 (VCV001379961.3), dbSNP rs377409718, ClinGen allele CA7205898.
Genomic context (GRCh38, chr14:58,470,681, plus strand): 5'-CAGTGTAGATATTGACAGCATTTCAAATAGTAGTGCTGATGTCCTTTCACCTCTGTCTAG[C>A]CCCAAAGAAGCATCTCTTCCTCCTGTGCAAACTTGGATAAAGGTATATTTCAGAATTTTA-3'
Protein context (NP_001316872.1, residues 827-847): SSADVLSPLS[Ser837Arg]PKEASLPPVQ

ClinVar aggregate classification (germline): Uncertain significance (1 of 4 stars; one submission).

Conditions:
Joubert syndrome 23 (JBTS23). Identifiers: Orphanet 475, MedGen C4084822, MONDO:0014664, OMIM 616490.
Short-rib thoracic dysplasia 14 with polydactyly (SRTD14). Identifiers: Orphanet 397715, MedGen C4225286, MONDO:0014688, OMIM 616546.

Allele frequency attached by ClinVar (database versions not stated): gnomAD exomes below 0.00001; ExAC 0.00001; gnomAD 0.00001 and 0.00002; TOPMed 0.00002; ESP Exome Variant Server 0.00008; 1000 Genomes Project 0.00020; 1000 Genomes Project 30x 0.00031.
gnomAD v4.1: 4 of 1,609,236 alleles (0.00025%); highest among the groups gnomAD compares: African/African-American, 0.0053%; no homozygotes.

Submission:

Labcorp Genetics (formerly Invitae), Labcorp
Classification: Uncertain significance for Joubert syndrome 23; Short-rib thoracic dysplasia 14 with polydactyly. Last evaluated: 2022-04-25. Review status: criteria provided, single submitter. Criteria: Invitae Variant Classification Sherloc (09022015). Collection method: clinical testing. Allele origin: germline.
Comment: This sequence change replaces serine, which is neutral and polar, with arginine, which is basic and polar, at codon 890 of the KIAA0586 protein (p.Ser890Arg). This variant is present in population databases (rs377409718, gnomAD 0.007%). This variant has not been reported in the literature in individuals affected with KIAA0586-related conditions. Algorithms developed to predict the effect of missense changes on protein structure and function are either unavailable or do not agree on the potential impact of this missense change (SIFT: "Deleterious"; PolyPhen-2: "Possibly Damaging"; Align-GVGD: "Class C0"). In summary, the available evidence is currently insufficient to determine the role of this variant in disease. Therefore, it has been classified as a Variant of Uncertain Significance.